The following is an entry in ClinVar:

NM_013382.7(POMT2):c.1192G>C (p.Asp398His)

Gene: POMT2 (protein O-mannosyltransferase 2; minus strand). Cytogenetic location: 14q24.3.
Variant type: single nucleotide variant.
Coding change: c.1192G>C on transcript NM_013382.7 (MANE Select); coding-DNA position 1192, G replaced by C.
Protein change: p.Asp398His; replaces aspartic acid 398 with histidine.
Molecular consequence: missense variant.
Genome position (GRCh38, 1-based): chr14:77,288,823, C>G on the plus strand (G>C on the coding strand, the complement: POMT2 is on the minus strand). VCF-style: chr14-77288823-C-G. GRCh37 (hg19) VCF-style: chr14-77755166-C-G.
Other names: c.1192G>C (NM_013382.5); short protein forms D398H.
Identifiers: ClinVar variation 289680 (VCV000289680.10), dbSNP rs145933402, ClinGen allele CA7285928.

ClinVar aggregate classification (germline): Uncertain significance. Review status: criteria provided, multiple submitters, no conflicts (2 of 4 stars). 4 submissions from 4 submitters: Uncertain significance (4). Last evaluated 2025-10-02.

Conditions:
Muscular dystrophy-dystroglycanopathy (congenital with brain and eye anomalies), type A2. Also called: WALKER-WARBURG SYNDROME OR MUSCLE-EYE-BRAIN DISEASE, POMT2-RELATED; MUSCULAR DYSTROPHY-DYSTROGLYCANOPATHY (CONGENITAL WITH BRAIN AND EYE ANOMALIES), TYPE A, 2. Identifiers: Orphanet 588, Orphanet 899, MedGen C3150411, MONDO:0013154, OMIM 613150.
Muscular dystrophy-dystroglycanopathy (congenital with impaired intellectual development), type B, 2. Also called: Muscular dystrophy-dystroglycanopathy (congenital with intellectual disability), type B2; MUSCULAR DYSTROPHY, CONGENITAL, POMT2-RELATED. Identifiers: MedGen C3150416, MONDO:0013160, OMIM 613156.
Autosomal recessive limb-girdle muscular dystrophy type 2N. Also called: MUSCULAR DYSTROPHY-DYSTROGLYCANOPATHY, LIMB-GIRDLE, POMT2-RELATED; Muscular dystrophy-dystroglycanopathy (limb-girdle), type C, 2. Identifiers: Orphanet 206559, MedGen C3150418, MONDO:0013162, OMIM 613158.
Inborn genetic diseases. Identifiers: MedGen C0950123, MeSH D030342.

Allele frequency attached by ClinVar (database versions not stated): gnomAD 0.00002 and 0.00003; gnomAD exomes 0.00003; ESP Exome Variant Server 0.00008; ExAC 0.00004; TOPMed 0.00005.
gnomAD v4.1: 40 of 1,613,658 alleles (0.0025%); highest among the groups gnomAD compares: Non-Finnish European, 0.0031%; no homozygotes.

Submissions (4):

Ambry Genetics
Classification: Uncertain significance for Inborn genetic diseases. Last evaluated: 2025-10-02. Review status: criteria provided, single submitter. Criteria: Ambry Variant Classification Scheme 2023. Collection method: clinical testing. Allele origin: germline.

Labcorp Genetics (formerly Invitae), Labcorp
Classification: Uncertain significance for Muscular dystrophy-dystroglycanopathy (congenital with impaired intellectual development), type B, 2; Muscular dystrophy-dystroglycanopathy (congenital with brain and eye anomalies), type A2; Autosomal recessive limb-girdle muscular dystrophy type 2N. Last evaluated: 2022-05-20. Review status: criteria provided, single submitter. Criteria: Invitae Variant Classification Sherloc (09022015). Collection method: clinical testing. Allele origin: germline.
Comment: This sequence change replaces aspartic acid, which is acidic and polar, with histidine, which is basic and polar, at codon 398 of the POMT2 protein (p.Asp398His). This variant is present in population databases (rs145933402, gnomAD 0.006%). This variant has not been reported in the literature in individuals affected with POMT2-related conditions. ClinVar contains an entry for this variant (Variation ID: 289680). Algorithms developed to predict the effect of missense changes on protein structure and function (SIFT, PolyPhen-2, Align-GVGD) all suggest that this variant is likely to be tolerated. In summary, the available evidence is currently insufficient to determine the role of this variant in disease. Therefore, it has been classified as a Variant of Uncertain Significance.

Revvity Omics, Revvity
Classification: Uncertain significance. Last evaluated: 2019-05-23. Review status: criteria provided, single submitter. Criteria: ACMG Guidelines, 2015. Collection method: clinical testing. Allele origin: germline.

Eurofins Ntd Llc (ga)
Classification: Uncertain significance. Last evaluated: 2016-07-27. Review status: criteria provided, single submitter. Criteria: EGL Classification Definitions 2015. Collection method: clinical testing. Allele origin: germline. Observed: 1 variant allele, 1 heterozygote.